The following is an entry in ClinVar:

NM_001164508.2(NEB):c.9768C>T (p.Tyr3256=)

Gene: NEB (nebulin; minus strand). Cytogenetic location: 2q23.3.
Variant type: single nucleotide variant.
Coding change: c.9768C>T on transcript NM_001164508.2 (MANE Select); coding-DNA position 9768, C replaced by T.
Protein change: p.Tyr3256=; no amino-acid change (tyrosine 3256 retained).
Molecular consequence: synonymous variant.
Genome position (GRCh38, 1-based): chr2:151,629,602, G>A on the plus strand (C>T on the coding strand, the complement: NEB is on the minus strand). VCF-style: chr2-151629602-G-A. GRCh37 (hg19) VCF-style: chr2-152486116-G-A.
Other names: c.9768C>T, p.Tyr3256= (NM_001164507.2, NM_001271208.2); c.9039C>T, p.Tyr3013= (NM_004543.5).
Identifiers: ClinVar variation 746593 (VCV000746593.19), dbSNP rs747458739, ClinGen allele CA1909211.

ClinVar aggregate classification (germline): Conflicting classifications of pathogenicity. Review status: criteria provided, conflicting classifications (1 of 4 stars). 4 submissions from 4 submitters: Uncertain significance (1); Likely benign (1). 2 of the submissions do not count toward it. Last evaluated 2025-04-07.

Conditions:
NEB-related disorder. Also called: NEB-related condition; NEB-Related Disorders.
Nemaline myopathy 2 (NEM2). Also called: Nemaline myopathy 2, autosomal recessive. Identifiers: MedGen C1850569, MONDO:0009725, OMIM 256030.

Allele frequency attached by ClinVar (database versions not stated): gnomAD 0.00003 and 0.00005; gnomAD exomes 0.00003 and 0.00006; TOPMed 0.00003; ExAC 0.00004.

Submissions (4):

Labcorp Genetics (formerly Invitae), Labcorp
Classification: Likely benign for Nemaline myopathy 2. Last evaluated: 2025-04-07. Review status: criteria provided, single submitter. Criteria: Invitae Variant Classification Sherloc (09022015). Collection method: clinical testing. Allele origin: germline.

Revvity Omics, Revvity
Classification: Uncertain significance. Last evaluated: 2019-06-26. Review status: criteria provided, single submitter. Criteria: ACMG Guidelines, 2015. Collection method: clinical testing. Allele origin: germline.

PreventionGenetics, part of Exact Sciences
Classification: Likely benign for NEB-related condition. Last evaluated: 2021-04-06. Review status: no assertion criteria provided. Collection method: clinical testing. Allele origin: germline. Not counted in ClinVar's aggregate classification.
Comment: This variant is classified as likely benign based on ACMG/AMP sequence variant interpretation guidelines (Richards et al. 2015 PMID: 25741868, with internal and published modifications).

Natera, Inc.
Classification: Likely benign for Nemaline myopathy type 2. Last evaluated: 2020-10-05. Review status: no assertion criteria provided. Collection method: clinical testing. Allele origin: germline. Not counted in ClinVar's aggregate classification.